The following is an entry in ClinVar:

ClinVar aggregate classification (germline): Uncertain significance (1 of 4 stars; one submission).

Conditions:
Maturity-onset diabetes of the young (MODY). Also called: Maturity onset diabetes mellitus in young. Identifiers: Orphanet 552, MedGen C0342276, MONDO:0018911, HP:0004904.

Allele frequency attached by ClinVar (database versions not stated): gnomAD 0.00001; gnomAD exomes 0.00001; ExAC 0.00002.

Submission:

Ambry Genetics
Classification: Uncertain significance for Maturity-onset diabetes of the young. Last evaluated: 2017-09-14. Review status: criteria provided, single submitter. Criteria: Ambry Variant Classification Scheme 2023. Collection method: clinical testing. Allele origin: germline.
Comment: The p.G338S variant (also known as c.1012G>A), located in coding exon 5 of the HNF1A gene, results from a G to A substitution at nucleotide position 1012. The glycine at codon 338 is replaced by serine, an amino acid with similar properties. This amino acid position is not well conserved in available vertebrate species, and serine is the reference amino acid in other vertebrate species. In addition, the in silico prediction for this alteration is inconclusive. Since supporting evidence is limited at this time, the clinical significance of this alteration remains unclear.

NM_000545.8(HNF1A):c.1012G>A (p.Gly338Ser)

Gene: HNF1A (HNF1 homeobox A; plus strand). Cytogenetic location: 12q24.31.
Variant type: single nucleotide variant.
Coding change: c.1012G>A on transcript NM_000545.8 (MANE Select); coding-DNA position 1012, G replaced by A.
Protein change: p.Gly338Ser; replaces glycine 338 with serine.
Molecular consequence: missense variant.
Genome position (GRCh38, 1-based): chr12:120,996,318, G>A. VCF-style: chr12-120996318-G-A. GRCh37 (hg19) VCF-style: chr12-121434121-G-A.
Other names: c.1012G>A, p.Gly338Ser (NM_001406915.1, NM_001306179.2); short protein forms G338S.
Identifiers: ClinVar variation 1734471 (VCV001734471.2), dbSNP rs773847824, ClinGen allele CA6831906.